The following is an entry in ClinVar:

NM_014339.7(IL17RA):c.1400T>C (p.Leu467Pro)

Gene: IL17RA (interleukin 17 receptor A; plus strand). Cytogenetic location: 22q11.1.
Variant type: single nucleotide variant.
Coding change: c.1400T>C on transcript NM_014339.7 (MANE Select); coding-DNA position 1400, T replaced by C.
Protein change: p.Leu467Pro; replaces leucine 467 with proline.
Molecular consequence: missense variant.
Genome position (GRCh38, 1-based): chr22:17,108,619, T>C. VCF-style: chr22-17108619-T-C. GRCh37 (hg19) VCF-style: chr22-17589509-T-C.
Other names: c.1298T>C, p.Leu433Pro (NM_001289905.2); short protein forms L467P, L433P.
Identifiers: ClinVar variation 340596 (VCV000340596.13), dbSNP rs369912474, ClinGen allele CA10086742.

ClinVar aggregate classification (germline): Uncertain significance. Review status: criteria provided, multiple submitters, no conflicts (2 of 4 stars). 3 submissions from 3 submitters: Uncertain significance (3). Last evaluated 2024-08-29.

Conditions:
Immunodeficiency 51 (IMD51). Also called: CANDIDIASIS, FAMILIAL, 5. Identifiers: Orphanet 1334, MedGen C4310803, MONDO:0013500, OMIM 613953.

Allele frequency attached by ClinVar (database versions not stated): TOPMed 0.00019; ESP Exome Variant Server 0.00023; gnomAD exomes 0.00027 and 0.00035; gnomAD 0.00029 and 0.00031; ExAC 0.00031.
gnomAD v4.1: 550 of 1,604,468 alleles (0.034%); highest among the groups gnomAD compares: Non-Finnish European, 0.043%; no homozygotes.

Submissions (3):

Blueprint Genetics
Classification: Uncertain significance. Last evaluated: 2024-08-29. Review status: criteria provided, single submitter. Criteria: ACMG Guidelines, 2015. Collection method: clinical testing. Allele origin: germline.

Labcorp Genetics (formerly Invitae), Labcorp
Classification: Uncertain significance for Immunodeficiency 51. Last evaluated: 2022-07-11. Review status: criteria provided, single submitter. Criteria: Invitae Variant Classification Sherloc (09022015). Collection method: clinical testing. Allele origin: germline.
Comment: This sequence change replaces leucine, which is neutral and non-polar, with proline, which is neutral and non-polar, at codon 467 of the IL17RA protein (p.Leu467Pro). This variant is present in population databases (rs369912474, gnomAD 0.05%). This variant has not been reported in the literature in individuals affected with IL17RA-related conditions. ClinVar contains an entry for this variant (Variation ID: 340596). Algorithms developed to predict the effect of missense changes on protein structure and function (SIFT, PolyPhen-2, Align-GVGD) all suggest that this variant is likely to be disruptive. In summary, the available evidence is currently insufficient to determine the role of this variant in disease. Therefore, it has been classified as a Variant of Uncertain Significance.

Illumina Laboratory Services, Illumina
Classification: Uncertain significance for Immunodeficiency 51. Last evaluated: 2018-01-12. Review status: criteria provided, single submitter. Criteria: ICSL Variant Classification Criteria 13 December 2019. Collection method: clinical testing. Allele origin: germline.